The following is an entry in ClinVar:

ClinVar aggregate classification (germline): Pathogenic. Review status: criteria provided, multiple submitters, no conflicts (2 of 4 stars). 3 submissions from 3 submitters: Pathogenic (3). Last evaluated 2026-01-28.

Conditions:
L1CAM-related disorder. Also called: L1CAM-related condition.

Submissions (3):

PreventionGenetics, part of Exact Sciences
Classification: Pathogenic for L1CAM-related condition. Last evaluated: 2026-01-28. Review status: criteria provided, single submitter. Criteria: ACMG Guidelines, 2015. Collection method: clinical testing. Allele origin: germline.
Comment: The L1CAM c.3201T>G variant is predicted to result in premature protein termination (p.Tyr1067*). To our knowledge, this variant has not been reported in the literature or in a large population database (gnomAD), indicating it is rare. Of note, a frameshift variant that results in the same nonsense change (c.3201del, p.Tyr1067*) has been reported in a fetus with MRI findings consistent with L1CAM-related disease (Accogli et al. 2021. PubMed ID: 34510796). Nonsense variants in L1CAM are expected to be pathogenic. Taken together, the c.3201T>G (p.Tyr1067*) variant is interpreted as pathogenic.

GeneDx
Classification: Pathogenic. Last evaluated: 2024-06-25. Review status: criteria provided, single submitter. Criteria: GeneDx Variant Classification Process June 2021. Collection method: clinical testing. Allele origin: germline. Affected: yes.
Comment: Nonsense variant predicted to result in protein truncation or nonsense mediated decay in a gene for which loss of function is a known mechanism of disease; Not observed at significant frequency in large population cohorts (gnomAD); Has not been previously published as pathogenic or benign to our knowledge; This variant is associated with the following publications: (PMID: 25525159)

Eurofins Ntd Llc (ga)
Classification: Pathogenic. Last evaluated: 2018-07-13. Review status: criteria provided, single submitter. Criteria: EGL ClinVar v180209 classification definitions. Collection method: clinical testing. Allele origin: germline. Observed: 2 variant alleles, 2 hemizygotes.

NM_001278116.2(L1CAM):c.3201T>G (p.Tyr1067Ter)

Gene: L1CAM (L1 cell adhesion molecule; minus strand). Cytogenetic location: Xq28.
Variant type: single nucleotide variant.
Coding change: c.3201T>G on transcript NM_001278116.2 (MANE Select); coding-DNA position 3201, T replaced by G.
Protein change: p.Tyr1067Ter; replaces tyrosine 1067 with a stop codon.
Molecular consequence: nonsense.
Genome position (GRCh38, 1-based): chrX:153,864,443, A>C on the plus strand (T>G on the coding strand, the complement: L1CAM is on the minus strand). VCF-style: chrX-153864443-A-C. GRCh37 (hg19) VCF-style: chrX-153129898-A-C.
Other names: c.3201T>G (NM_000425.3, NM_000425.4); c.3201T>G, p.Tyr1067Ter (NM_000425.5, NM_024003.3); c.3186T>G, p.Tyr1062Ter (NM_001143963.2); short protein forms Y1067*, Y1062*.
Identifiers: ClinVar variation 592224 (VCV000592224.7), dbSNP rs1569544629, ClinGen allele CA415111200.